The following is an entry in ClinVar:

NM_032776.3(JMJD1C):c.1212A>C (p.Lys404Asn)

Gene: JMJD1C (jumonji domain containing 1C; minus strand). Cytogenetic location: 10q21.3.
Variant type: single nucleotide variant.
Coding change: c.1212A>C on transcript NM_032776.3 (MANE Select); coding-DNA position 1212, A replaced by C.
Protein change: p.Lys404Asn; replaces lysine 404 with asparagine.
Molecular consequence: missense variant. On other transcripts: non-coding transcript variant (1).
Genome position (GRCh38, 1-based): chr10:63,214,955, T>G on the plus strand (A>C on the coding strand, the complement: JMJD1C is on the minus strand). VCF-style: chr10-63214955-T-G. GRCh37 (hg19) VCF-style: chr10-64974715-T-G.
Other names: c.666A>C, p.Lys222Asn (NM_001282948.2, NM_001318154.2); c.348A>C, p.Lys116Asn (NM_001318153.2); c.1098A>C, p.Lys366Asn (NM_001322252.2); c.555A>C, p.Lys185Asn (NM_001322254.2, NM_001322258.2); short protein forms K222N, K366N, K404N, K116N, K185N.
Identifiers: ClinVar variation 943171 (VCV000943171.9), dbSNP rs771832089, ClinGen allele CA5518842.

ClinVar aggregate classification (germline): Uncertain significance (1 of 4 stars; one submission).

Conditions:
Early Myoclonic Encephalopathy. Identifiers: MedGen C0270855.

Allele frequency attached by ClinVar (database versions not stated): TOPMed below 0.00001; gnomAD exomes 0.00003 and 0.00002; ExAC 0.00003.
gnomAD v4.1: 24 of 1,601,094 alleles (0.0015%); highest among the groups gnomAD compares: Non-Finnish European, 0.002%; no homozygotes.

Submission:

Labcorp Genetics (formerly Invitae), Labcorp
Classification: Uncertain significance for Early Myoclonic Encephalopathy. Last evaluated: 2019-07-01. Review status: criteria provided, single submitter. Criteria: Invitae Variant Classification Sherloc (09022015). Collection method: clinical testing. Allele origin: germline.
Comment: This sequence change replaces lysine with asparagine at codon 404 of the JMJD1C protein (p.Lys404Asn). The lysine residue is moderately conserved and there is a moderate physicochemical difference between lysine and asparagine. Algorithms developed to predict the effect of missense changes on protein structure and function are either unavailable or do not agree on the potential impact of this missense change (SIFT: "Deleterious"; PolyPhen-2: "Possibly Damaging"; Align-GVGD: "Class C0"). This variant is present in population databases (rs771832089, ExAC 0.005%). This variant has not been reported in the literature in individuals with JMJD1C-related conditions. In summary, the available evidence is currently insufficient to determine the role of this variant in disease. Therefore, it has been classified as a Variant of Uncertain Significance.